The following is an entry in ClinVar:

ClinVar aggregate classification (germline): Conflicting classifications of pathogenicity. Review status: criteria provided, conflicting classifications (1 of 4 stars). 5 submissions from 5 submitters: Uncertain significance (4); Likely benign (1). Last evaluated 2026-02-03.

Conditions:
Menkes kinky-hair syndrome (MNK). Also called: Copper transport disease; Menkes Disease; Classic Menkes Disease. Identifiers: Orphanet 565, MedGen C0022716, MONDO:0010651, OMIM 309400.
Cutis laxa, X-linked (OHS). Also called: Occipital horn syndrome; EDS IX. Identifiers: Orphanet 198, MedGen C0268353, MONDO:0010572, OMIM 304150.
X-linked distal spinal muscular atrophy type 3. Also called: ATP7A-Related Distal Motor Neuropathy; SPINAL MUSCULAR ATROPHY, DISTAL, X-LINKED RECESSIVE; NEURONOPATHY, DISTAL HEREDITARY MOTOR, X-LINKED; NEUROPATHY, DISTAL HEREDITARY MOTOR, X-LINKED. Identifiers: Orphanet 139557, MedGen C1845359, MONDO:0010338, OMIM 300489.
Inborn genetic diseases. Identifiers: MedGen C0950123, MeSH D030342.
Ehlers-Danlos syndrome (EDS). Identifiers: Orphanet 98249, MedGen C0013720, MONDO:0020066.

Allele frequency attached by ClinVar (database versions not stated): ExAC 0.00002; gnomAD exomes 0.00002 and 0.00004; TOPMed 0.00004; gnomAD 0.00006 and 0.00007.
gnomAD v4.1: 48 of 1,203,858 alleles (0.004%); highest among the groups gnomAD compares: Non-Finnish European, 0.005%; no homozygotes.

Submissions (5):

Labcorp Genetics (formerly Invitae), Labcorp
Classification: Likely benign for X-linked distal spinal muscular atrophy type 3; Cutis laxa, X-linked; Menkes kinky-hair syndrome. Last evaluated: 2026-02-03. Review status: criteria provided, single submitter. Criteria: Invitae Variant Classification Sherloc (09022015). Collection method: clinical testing. Allele origin: germline.

Women's Health and Genetics/Laboratory Corporation of America, LabCorp
Classification: Uncertain significance. Last evaluated: 2025-07-16. Review status: criteria provided, single submitter. Criteria: LabCorp Variant Classification Summary - May 2015. Collection method: clinical testing. Allele origin: germline.
Comment: Variant summary: ATP7A c.207G>A (p.Met69Ile) results in a conservative amino acid change in the encoded protein sequence. Algorithms developed to predict the effect of missense changes on protein structure and function are either unavailable or do not agree on the potential impact of this missense change. The variant allele was found at a frequency of 2.3e-05 in 176515 control chromosomes (gnomAD). The available data on variant occurrences in the general population are insufficient to allow any conclusion about variant significance. To our knowledge, no occurrence of c.207G>A in individuals affected with Menkes kinky-hair syndrome and no experimental evidence demonstrating its impact on protein function have been reported. ClinVar contains an entry for this variant (Variation ID: 640366). Based on the evidence outlined above, the variant was classified as uncertain significance.

Ambry Genetics
Classification: Uncertain significance for Inborn genetic diseases. Last evaluated: 2024-07-22. Review status: criteria provided, single submitter. Criteria: Ambry Variant Classification Scheme 2023. Collection method: clinical testing. Allele origin: germline.

GeneDx
Classification: Uncertain significance. Last evaluated: 2024-02-27. Review status: criteria provided, single submitter. Criteria: GeneDx Variant Classification Process June 2021. Collection method: clinical testing. Allele origin: germline. Affected: yes.
Comment: Has not been previously published as pathogenic or benign to our knowledge; In silico analysis supports that this missense variant does not alter protein structure/function

Genome Diagnostics Laboratory, The Hospital for Sick Children
Classification: Uncertain significance for Ehlers-Danlos syndrome. Last evaluated: 2019-11-01. Review status: criteria provided, single submitter. Criteria: ACMG Guidelines, 2015. Collection method: clinical testing. Allele origin: germline.

NM_000052.7(ATP7A):c.207G>A (p.Met69Ile)

Gene: ATP7A (ATPase copper transporting alpha; plus strand). Cytogenetic location: Xq21.1.
Variant type: single nucleotide variant.
Coding change: c.207G>A on transcript NM_000052.7 (MANE Select); coding-DNA position 207, G replaced by A.
Protein change: p.Met69Ile; replaces methionine 69 with isoleucine.
Molecular consequence: missense variant.
Genome position (GRCh38, 1-based): chrX:77,988,328, G>A. VCF-style: chrX-77988328-G-A. GRCh37 (hg19) VCF-style: chrX-77243824-G-A.
Other names: c.207G>A (NM_000052.4); c.207G>A, p.Met69Ile (NM_001282224.2); short protein forms M69I.
Identifiers: ClinVar variation 640366 (VCV000640366.17), dbSNP rs782290331, ClinGen allele CA10458895.
Genomic context (GRCh38, chrX:77,988,328, plus strand): 5'-TATTATTTATGACCCTAAACTACAGACTCCAAAGACCCTACAGGAAGCTATTGATGACAT[G>A]GGCTTTGATGCTGTTATCCATAATCCTGACCCTCTCCCTGTTTTAACTGACACCTTGTTT-3'
Protein context (NP_000043.4, residues 59-79): PKTLQEAIDD[Met69Ile]GFDAVIHNPD